The following is an entry in ClinVar:

ClinVar aggregate classification (germline): Uncertain significance (1 of 4 stars; one submission).

Allele frequency attached by ClinVar (database versions not stated): TOPMed below 0.00001; gnomAD 0.00001; gnomAD exomes 0.00001 and 0.00003; ExAC 0.00003.
gnomAD v4.1: 16 of 1,612,314 alleles (0.00099%); highest among the groups gnomAD compares: South Asian, 0.0099%; no homozygotes.

Submission:

Labcorp Genetics (formerly Invitae), Labcorp
Classification: Uncertain significance. Last evaluated: 2023-02-07. Review status: criteria provided, single submitter. Criteria: Invitae Variant Classification Sherloc (09022015). Collection method: clinical testing. Allele origin: germline.
Comment: ClinVar contains an entry for this variant (Variation ID: 1407162). This variant has not been reported in the literature in individuals affected with IFT57-related conditions. This variant is present in population databases (rs749806214, gnomAD 0.03%). This sequence change replaces arginine, which is basic and polar, with glutamine, which is neutral and polar, at codon 331 of the IFT57 protein (p.Arg331Gln). Algorithms developed to predict the effect of missense changes on protein structure and function (SIFT, PolyPhen-2, Align-GVGD) all suggest that this variant is likely to be tolerated. In summary, the available evidence is currently insufficient to determine the role of this variant in disease. Therefore, it has been classified as a Variant of Uncertain Significance.

NM_018010.4(IFT57):c.992G>A (p.Arg331Gln)

Gene: IFT57 (intraflagellar transport 57; minus strand). Cytogenetic location: 3q13.12.
Variant type: single nucleotide variant.
Coding change: c.992G>A on transcript NM_018010.4 (MANE Select); coding-DNA position 992, G replaced by A.
Protein change: p.Arg331Gln; replaces arginine 331 with glutamine.
Molecular consequence: missense variant.
Genome position (GRCh38, 1-based): chr3:108,165,483, C>T on the plus strand (G>A on the coding strand, the complement: IFT57 is on the minus strand). VCF-style: chr3-108165483-C-T. GRCh37 (hg19) VCF-style: chr3-107884330-C-T.
Other names: short protein forms R331Q.
Identifiers: ClinVar variation 1407162 (VCV001407162.6), dbSNP rs749806214, ClinGen allele CA2526500.
Genomic context (GRCh38, chr3:108,165,483, plus strand): 5'-GTGTGTACCTCAGAGAGGAGTCTGGTTCTTTCCGTCACTCCTCCATTTCCCTGCTGGTAT[C>T]GCTCCTTTGCCTGAGAGGAAAAACATTTTGTTTAATGGCAAATTCAAAGCAGCAGCAGAT-3'
Protein context (NP_060480.1, residues 321-341): AQAQLSEAKE[Arg331Gln]YQQGNGGVTE